The following is an entry in ClinVar:

ClinVar aggregate classification (germline): Uncertain significance (1 of 4 stars; one submission).

Conditions:
Hereditary sensory and autonomic neuropathy type 7. Also called: Neuropathy, hereditary sensory and autonomic, type VII; HSAN VII. Identifiers: Orphanet 391397, MedGen C3809882, MONDO:0014244, OMIM 615548.
Familial episodic pain syndrome with predominantly lower limb involvement. Also called: Episodic pain syndrome, familial, 3. Identifiers: Orphanet 391384, Orphanet 391392, MedGen C3809899, MONDO:0014247, OMIM 615552.

Allele frequency attached by ClinVar (database versions not stated): gnomAD exomes below 0.00001; TOPMed below 0.00001; gnomAD 0.00001.
gnomAD v4.1: 3 of 1,612,268 alleles (0.00019%); highest among the groups gnomAD compares: African/African-American, 0.0013%; no homozygotes.

Submission:

Labcorp Genetics (formerly Invitae), Labcorp
Classification: Uncertain significance for Familial episodic pain syndrome with predominantly lower limb involvement; Hereditary sensory and autonomic neuropathy type 7. Last evaluated: 2019-04-09. Review status: criteria provided, single submitter. Criteria: Invitae Variant Classification Sherloc (09022015). Collection method: clinical testing. Allele origin: germline.
Comment: Algorithms developed to predict the effect of missense changes on protein structure and function (SIFT, PolyPhen-2, Align-GVGD) all suggest that this variant is likely to be disruptive, but these predictions have not been confirmed by published functional studies and their clinical significance is uncertain. In summary, the available evidence is currently insufficient to determine the role of this variant in disease. Therefore, it has been classified as a Variant of Uncertain Significance. This sequence change replaces isoleucine with threonine at codon 1129 of the SCN11A protein (p.Ile1129Thr). The isoleucine residue is highly conserved and there is a moderate physicochemical difference between isoleucine and threonine. This variant has not been reported in the literature in individuals with SCN11A-related conditions. This variant is not present in population databases (ExAC no frequency).

NM_001349253.2(SCN11A):c.3386T>C (p.Ile1129Thr)

Gene: SCN11A (sodium voltage-gated channel alpha subunit 11; minus strand). Cytogenetic location: 3p22.2.
Variant type: single nucleotide variant.
Coding change: c.3386T>C on transcript NM_001349253.2 (MANE Select); coding-DNA position 3386, T replaced by C.
Protein change: p.Ile1129Thr; replaces isoleucine 1129 with threonine.
Molecular consequence: missense variant.
Genome position (GRCh38, 1-based): chr3:38,879,957, A>G on the plus strand (T>C on the coding strand, the complement: SCN11A is on the minus strand). VCF-style: chr3-38879957-A-G. GRCh37 (hg19) VCF-style: chr3-38921448-A-G.
Other names: c.3386T>C, p.Ile1129Thr (NM_014139.3); short protein forms I1129T.
Identifiers: ClinVar variation 847855 (VCV000847855.6), dbSNP rs2065280606, ClinGen allele CA352172482.